The following is an entry in ClinVar:

NM_080916.3(DGUOK):c.591+3A>T

Gene: DGUOK (deoxyguanosine kinase; plus strand). Cytogenetic location: 2p13.1.
Variant type: single nucleotide variant.
Coding change: c.591+3A>T on transcript NM_080916.3 (MANE Select); 3 bases into the intron after coding-DNA position 591, A replaced by T.
Molecular consequence: intron variant.
Genome position (GRCh38, 1-based): chr2:73,950,735, A>T. VCF-style: chr2-73950735-A-T. GRCh37 (hg19) VCF-style: chr2-74177862-A-T.
Other names: p.?; c.300+3A>T (NM_001318861.2, NM_001318860.2); c.282+3A>T (NM_001318862.2, NM_001318863.2); c.443+3829A>T (NM_080918.3); c.425+3847A>T (NM_001318859.2).
Identifiers: ClinVar variation 4540653 (VCV004540653.1).
Genomic context (GRCh38, chr2:73,950,735, plus strand): 5'-GGAGTTTGCCAGCCGGATCACATTACATGGCTTCATCTACCTCCAGGCTTCTCCCCAGGT[A>T]ACACTGAACCTACAACCTTAGACTTTAGGGCCATATGAAACCTAAGAAGTGACATTCTCC-3'

ClinVar aggregate classification (germline): Uncertain significance (1 of 4 stars; one submission).

Submission:

Mayo Clinic Laboratories, Mayo Clinic
Classification: Uncertain significance. Last evaluated: 2025-05-15. Review status: criteria provided, single submitter. Criteria: ACMG Guidelines, 2015. Collection method: clinical testing. Allele origin: germline. Observed: 1 variant allele.
Comment: PP3, PM2_supporting